The following is an entry in ClinVar:

ClinVar aggregate classification (germline): Uncertain significance (1 of 4 stars; one submission).

gnomAD v4.1: 13 of 1,610,738 alleles (0.00081%); highest among the groups gnomAD compares: Admixed American, 0.0017%; no homozygotes.

Submission:

GeneDx
Classification: Uncertain significance. Last evaluated: 2024-05-05. Review status: criteria provided, single submitter. Criteria: GeneDx Variant Classification Process June 2021. Collection method: clinical testing. Allele origin: germline. Affected: yes.
Comment: Not observed at significant frequency in large population cohorts (gnomAD); In silico analysis indicates that this missense variant does not alter protein structure/function; Has not been previously published as pathogenic or benign to our knowledge

NM_152743.4(BRAT1):c.1456G>A (p.Gly486Ser)

Gene: BRAT1 (BRCA1 associated ATM activator 1; minus strand). Cytogenetic location: 7p22.3.
Variant type: single nucleotide variant.
Coding change: c.1456G>A on transcript NM_152743.4 (MANE Select); coding-DNA position 1456, G replaced by A.
Protein change: p.Gly486Ser; replaces glycine 486 with serine.
Molecular consequence: missense variant. On other transcripts: non-coding transcript variant (1).
Genome position (GRCh38, 1-based): chr7:2,539,828, C>T on the plus strand (G>A on the coding strand, the complement: BRAT1 is on the minus strand). VCF-style: chr7-2539828-C-T. GRCh37 (hg19) VCF-style: chr7-2579462-C-T.
Other names: c.1456G>A, p.Gly486Ser (NM_001350626.2); c.931G>A, p.Gly311Ser (NM_001350627.2); short protein forms G311S, G486S.
Identifiers: ClinVar variation 3375881 (VCV003375881.1).